The following is an entry in ClinVar:

ClinVar aggregate classification (germline): Uncertain significance (1 of 4 stars; one submission).

Conditions:
KIF1B-related disorder. Also called: KIF1B-related condition.

gnomAD v4.1: 1 of 1,614,002 alleles (0.000062%); highest among the groups gnomAD compares: Non-Finnish European, 0.000085%; no homozygotes.

Submission:

PreventionGenetics, part of Exact Sciences
Classification: Uncertain significance for KIF1B-related condition. Last evaluated: 2026-02-17. Review status: criteria provided, single submitter. Criteria: ACMG Guidelines, 2015. Collection method: clinical testing. Allele origin: germline.
Comment: The KIF1B c.202G>A variant is predicted to result in the amino acid substitution p.Ala68Thr. To our knowledge, this variant has not been reported in the literature or in a large population database (gnomAD), indicating this variant is rare. At this time, the clinical significance of this variant is uncertain due to the absence of conclusive functional and genetic evidence.

NM_001365951.3(KIF1B):c.202G>A (p.Ala68Thr)

Gene: KIF1B (kinesin family member 1B; plus strand). Cytogenetic location: 1p36.22.
Variant type: single nucleotide variant.
Coding change: c.202G>A on transcript NM_001365951.3 (MANE Select); coding-DNA position 202, G replaced by A.
Protein change: p.Ala68Thr; replaces alanine 68 with threonine.
Molecular consequence: missense variant.
Genome position (GRCh38, 1-based): chr1:10,258,511, G>A. VCF-style: chr1-10258511-G-A. GRCh37 (hg19) VCF-style: chr1-10318569-G-A.
Other names: c.202G>A, p.Ala68Thr (NM_001365952.1, NM_001365953.1, NM_015074.3 and 1 more transcripts); short protein forms A68T.
Identifiers: ClinVar variation 4994139 (VCV004994139.1).